The following is an entry in ClinVar:

ClinVar aggregate classification (germline): Uncertain significance (1 of 4 stars; one submission).

gnomAD v4.1: 12 of 1,612,768 alleles (0.00074%); highest among the groups gnomAD compares: Admixed American, 0.018%; no homozygotes.

Submission:

GeneDx
Classification: Uncertain significance. Last evaluated: 2024-08-01. Review status: criteria provided, single submitter. Criteria: GeneDx Variant Classification Process June 2021. Collection method: clinical testing. Allele origin: germline. Affected: yes.
Comment: In silico analysis supports that this missense variant has a deleterious effect on protein structure/function; Has not been previously published as pathogenic or benign to our knowledge

NM_018238.4(AGK):c.373G>C (p.Asp125His)

Gene: AGK (acylglycerol kinase; plus strand). Cytogenetic location: 7q34.
Variant type: single nucleotide variant.
Coding change: c.373G>C on transcript NM_018238.4 (MANE Select); coding-DNA position 373, G replaced by C.
Protein change: p.Asp125His; replaces aspartic acid 125 with histidine.
Molecular consequence: missense variant.
Genome position (GRCh38, 1-based): chr7:141,611,270, G>C. VCF-style: chr7-141611270-G-C. GRCh37 (hg19) VCF-style: chr7-141311070-G-C.
Other names: c.373G>C, p.Asp125His (NM_001364948.3); short protein forms D125H.
Identifiers: ClinVar variation 3602411 (VCV003602411.1).